The following is an entry in ClinVar:

ClinVar aggregate classification (germline): Uncertain significance (1 of 4 stars; one submission).

Submission:

GeneDx
Classification: Uncertain significance. Last evaluated: 2026-02-26. Review status: criteria provided, single submitter. Criteria: GeneDx Variant Classification Process June 2021. Collection method: clinical testing. Allele origin: germline.
Comment: Not observed at significant frequency in large population cohorts (gnomAD); In silico analysis supports that this missense variant has a deleterious effect on protein structure/function; Has not been previously published as pathogenic or benign to our knowledge

NM_182641.4(BPTF):c.6611G>A (p.Gly2204Asp)

Gene: BPTF (bromodomain PHD finger transcription factor; plus strand). Cytogenetic location: 17q24.2.
Variant type: single nucleotide variant.
Coding change: c.6611G>A on transcript NM_182641.4 (MANE Select); coding-DNA position 6611, G replaced by A.
Protein change: p.Gly2204Asp; replaces glycine 2204 with aspartic acid.
Molecular consequence: missense variant.
Genome position (GRCh38, 1-based): chr17:67,944,283, G>A. VCF-style: chr17-67944283-G-A. GRCh37 (hg19) VCF-style: chr17-65940399-G-A.
Other names: c.6800G>A, p.Gly2267Asp (NM_001439139.1, NM_001439143.1, NM_001439144.1); c.6989G>A, p.Gly2330Asp (NM_001439140.1, NM_001439142.1, NM_004459.7); c.6962G>A, p.Gly2321Asp (NM_001439141.1); short protein forms G2330D, G2321D, G2204D, G2267D.
Identifiers: ClinVar variation 5008098 (VCV005008098.1).